The following is an entry in ClinVar:

ClinVar aggregate classification (germline): Pathogenic/Likely pathogenic. Review status: criteria provided, multiple submitters, no conflicts (2 of 4 stars). 3 submissions from 3 submitters: Pathogenic (2); Likely pathogenic (1). Last evaluated 2025-04-16.

Conditions:
Gnathodiaphyseal dysplasia (GDD). Also called: GNATHODIAPHYSEAL SCLEROSIS; OSTEOGENESIS IMPERFECTA WITH UNUSUAL SKELETAL LESIONS. Identifiers: Orphanet 53697, MedGen C1833736, MONDO:0008151, OMIM 166260.
Autosomal recessive limb-girdle muscular dystrophy type 2L (LGMDR12). Also called: Limb-girdle muscular dystrophy, type 2L; MUSCULAR DYSTROPHY, LIMB-GIRDLE, AUTOSOMAL RECESSIVE 12; Limb-Girdle Muscular Dystrophy R12 Anoctamin-5-Related (LGMD-R12). Identifiers: Orphanet 206549, MedGen C1969785, MONDO:0012652, OMIM 611307.

Submissions (3):

GeneDx
Classification: Likely pathogenic. Last evaluated: 2025-04-16. Review status: criteria provided, single submitter. Criteria: GeneDx Variant Classification Process June 2021. Collection method: clinical testing. Allele origin: germline.
Comment: Identified with a second variant in a patient with ANO5-related muscular dystrophy in published literature (PMID: 32819793); Canonical splice site variant predicted to result in a null allele in a gene for which loss of function is a known mechanism of disease; Not observed at significant frequency in large population cohorts (gnomAD); This variant is associated with the following publications: (PMID: 32819793)

Mayo Clinic Laboratories, Mayo Clinic
Classification: Pathogenic. Last evaluated: 2025-02-26. Review status: criteria provided, single submitter. Criteria: ACMG Guidelines, 2015. Collection method: clinical testing. Allele origin: germline. Observed: 1 variant allele.
Comment: PM2_supporting, PM3_supporting, PVS1

Labcorp Genetics (formerly Invitae), Labcorp
Classification: Pathogenic for Autosomal recessive limb-girdle muscular dystrophy type 2L; Gnathodiaphyseal dysplasia. Last evaluated: 2023-09-14. Review status: criteria provided, single submitter. Criteria: Invitae Variant Classification Sherloc (09022015). Collection method: clinical testing. Allele origin: germline.
Comment: This sequence change creates a premature translational stop signal (p.Phe747Argfs*15) in the ANO5 gene. It is expected to result in an absent or disrupted protein product. Loss-of-function variants in ANO5 are known to be pathogenic (PMID: 21186264, 23606453, 25891276, 30919934). This variant is not present in population databases (gnomAD no frequency). This premature translational stop signal has been observed in individual(s) with ANO5-related conditions (PMID: 32819793). In at least one individual the data is consistent with being in trans (on the opposite chromosome) from a pathogenic variant. For these reasons, this variant has been classified as Pathogenic.

Literature cited by the submitters: PubMed 32819793 (cited by Mayo Clinic Laboratories, Mayo Clinic and Labcorp Genetics (formerly Invitae), Labcorp); PubMed 21186264 (cited by Labcorp Genetics (formerly Invitae), Labcorp); PubMed 23606453 (cited by Labcorp Genetics (formerly Invitae), Labcorp); PubMed 25891276 (cited by Labcorp Genetics (formerly Invitae), Labcorp); PubMed 30919934 (cited by Labcorp Genetics (formerly Invitae), Labcorp).

NM_213599.3(ANO5):c.2236-2_2238dup

Gene: ANO5 (anoctamin 5; plus strand). Cytogenetic location: 11p14.3.
Variant type: Duplication.
Coding change: c.2236-2_2238dup on transcript NM_213599.3 (MANE Select); the canonical splice acceptor site of the intron before coding-DNA position 2236 through coding-DNA position 2238, 5 bases duplicated (AGGCC; older notation c.2236-2_2238dupAGGCC).
Molecular consequence: splice acceptor variant.
Genome position (GRCh38, 1-based): chr11:22,274,567-22,274,571, AGGCC duplicated; duplicating any 5 consecutive bases within chr11:22,274,566-22,274,571 gives the same sequence; the c. name uses the placement nearest the transcript's 3' end. VCF-style (leftmost placement, unchanged base first): chr11-22274565-T-TCAGGC. GRCh37 (hg19) VCF-style: chr11-22296111-T-TCAGGC.
Other names: p.Phe747Argfs*15; c.2236-2_2238dup (NM_213599.2); c.2194-2_2196dup (NM_001410963.1); c.2233-2_2235dup (NM_001142649.2); c.2191-2_2193dup (NM_001410964.1).
Identifiers: ClinVar variation 2927025 (VCV002927025.6), dbSNP rs1590331573, ClinGen allele CA935872065.